The following is an entry in ClinVar:

ClinVar aggregate classification (germline): Uncertain significance (1 of 4 stars; one submission).

Conditions:
X-linked intellectual disability Cabezas type (MRXSC). Also called: CABEZAS SYNDROME; MENTAL RETARDATION, X-LINKED, SYNDROMIC 15; Intellectual developmental disorder, X-linked syndromic, Cabezas type. Identifiers: Orphanet 85289, Orphanet 85293, MedGen C1845861, MONDO:0010306, OMIM 300354.

Submission:

3billion
Classification: Uncertain significance for X-linked intellectual disability Cabezas type. Last evaluated: 2023-02-23. Review status: criteria provided, single submitter. Criteria: ACMG Guidelines, 2015. Collection method: clinical testing. Allele origin: unknown. Affected: yes.
Comment: The variant is not observed in the gnomAD v2.1.1 dataset. In silico tool predictions suggest damaging effect of the variant on gene or gene product (REVEL: 0.87; 3Cnet: 0.95). However, the evidence of pathogenicity is insufficient at this time. Therefore, this variant is classified as VUS according to the recommendation of ACMG/AMP guideline.

NM_001079872.2(CUL4B):c.2404A>T (p.Arg802Trp)

Gene: CUL4B (cullin 4B; minus strand). Cytogenetic location: Xq24.
Variant type: single nucleotide variant.
Coding change: c.2404A>T on transcript NM_001079872.2 (MANE Select); coding-DNA position 2404, A replaced by T.
Protein change: p.Arg802Trp; replaces arginine 802 with tryptophan.
Molecular consequence: missense variant.
Genome position (GRCh38, 1-based): chrX:120,532,457, T>A on the plus strand (A>T on the coding strand, the complement: CUL4B is on the minus strand). VCF-style: chrX-120532457-T-A. GRCh37 (hg19) VCF-style: chrX-119666312-T-A.
Other names: c.2419A>T, p.Arg807Trp (NM_001330624.2); c.1870A>T, p.Arg624Trp (NM_001369145.1); c.2458A>T, p.Arg820Trp (NM_003588.4); short protein forms R624W, R802W, R807W, R820W.
Identifiers: ClinVar variation 2444279 (VCV002444279.1), dbSNP rs2521056843, ClinGen allele CA414193655.